The following is an entry in ClinVar:

ClinVar aggregate classification (germline): Uncertain significance (1 of 4 stars; one submission).

Conditions:
Inborn genetic diseases. Identifiers: MedGen C0950123, MeSH D030342.

gnomAD v4.1: 6 of 1,612,778 alleles (0.00037%); highest among the groups gnomAD compares: African/African-American, 0.004%; no homozygotes.

Submission:

Ambry Genetics
Classification: Uncertain significance for Inborn genetic diseases. Last evaluated: 2026-04-15. Review status: criteria provided, single submitter. Criteria: Ambry Variant Classification Scheme 2023. Collection method: clinical testing. Allele origin: germline.
Comment: The c.2317C>T (p.P773S) alteration is located in exon 20 (coding exon 19) of the PLEKHG5 gene. This alteration results from a C to T substitution at nucleotide position 2317, causing the proline (P) at amino acid position 773 to be replaced by a serine (S). Based on data from gnomAD, the T allele has an overall frequency of <0.001% (1/248022) total alleles studied. The highest observed frequency was 0.006% (1/15700) of African alleles. Based on insufficient or conflicting evidence, the clinical significance of this alteration remains unclear.

NM_020631.6(PLEKHG5):c.2317C>T (p.Pro773Ser)

Gene: PLEKHG5 (pleckstrin homology and RhoGEF domain containing G5; minus strand). Cytogenetic location: 1p36.31.
Variant type: single nucleotide variant.
Coding change: c.2317C>T on transcript NM_020631.6 (MANE Select); coding-DNA position 2317, C replaced by T.
Protein change: p.Pro773Ser; replaces proline 773 with serine.
Molecular consequence: missense variant.
Genome position (GRCh38, 1-based): chr1:6,468,519, G>A on the plus strand (C>T on the coding strand, the complement: PLEKHG5 is on the minus strand). VCF-style: chr1-6468519-G-A. GRCh37 (hg19) VCF-style: chr1-6528579-G-A.
Other names: c.2317C>T, p.Pro773Ser (NM_198681.4, NM_001042664.2, NM_001042665.2 and 1 more transcripts); c.2428C>T, p.Pro810Ser (NM_001042663.3, NM_001265592.2); c.2524C>T, p.Pro842Ser (NM_001265593.2); short protein forms P773S, P810S, P842S.
Identifiers: ClinVar variation 4862057 (VCV004862057.1).
Genomic context (GRCh38, chr1:6,468,519, plus strand): 5'-CAGTGGTGCTGAGAGAGGTCTCATCAGACTGGGAGCTGAAAGGACCGCTGTCGAACTCGG[G>A]GGAGGACAGCGTGTCCCCAGGCTCTACCACAACCATGGCCAGGGTCTCCGTGGAGCCATC-3'
Protein context (NP_065682.2, residues 763-783): VVEPGDTLSS[Pro773Ser]EFDSGPFSSQ